The following is an entry in ClinVar:

ClinVar aggregate classification (germline): Uncertain significance (1 of 4 stars; one submission).

Conditions:
Hypertrophic cardiomyopathy. Also called: HYPERTROPHIC MYOCARDIOPATHY. Identifiers: Orphanet 217569, MedGen C0007194, MeSH D002312, MONDO:0005045, HP:0001639.

Allele frequency attached by ClinVar (database versions not stated): gnomAD 0.00003; TOPMed 0.00003.
gnomAD v4.1: 29 of 1,613,896 alleles (0.0018%); highest among the groups gnomAD compares: South Asian, 0.021%; 1 homozygote.

Submission:

Labcorp Genetics (formerly Invitae), Labcorp
Classification: Uncertain significance for Hypertrophic cardiomyopathy. Last evaluated: 2023-09-23. Review status: criteria provided, single submitter. Criteria: Invitae Variant Classification Sherloc (09022015). Collection method: clinical testing. Allele origin: germline.
Comment: This variant has not been reported in the literature in individuals affected with MYOM1-related conditions. In summary, the available evidence is currently insufficient to determine the role of this variant in disease. Therefore, it has been classified as a Variant of Uncertain Significance. Advanced modeling of protein sequence and biophysical properties (such as structural, functional, and spatial information, amino acid conservation, physicochemical variation, residue mobility, and thermodynamic stability) performed at Invitae indicates that this missense variant is not expected to disrupt MYOM1 protein function. This variant is present in population databases (rs775765790, gnomAD 0.03%). This sequence change replaces asparagine, which is neutral and polar, with serine, which is neutral and polar, at codon 1272 of the MYOM1 protein (p.Asn1272Ser).

NM_003803.4(MYOM1):c.3815A>G (p.Asn1272Ser)

Gene: MYOM1 (myomesin 1; minus strand). Cytogenetic location: 18p11.31.
Variant type: single nucleotide variant.
Coding change: c.3815A>G on transcript NM_003803.4 (MANE Select); coding-DNA position 3815, A replaced by G.
Protein change: p.Asn1272Ser; replaces asparagine 1272 with serine.
Molecular consequence: missense variant.
Genome position (GRCh38, 1-based): chr18:3,094,219, T>C on the plus strand (A>G on the coding strand, the complement: MYOM1 is on the minus strand). VCF-style: chr18-3094219-T-C. GRCh37 (hg19) VCF-style: chr18-3094217-T-C.
Other names: c.3527A>G, p.Asn1176Ser (NM_019856.2); short protein forms N1272S, N1176S.
Identifiers: ClinVar variation 2722651 (VCV002722651.3), dbSNP rs775765790, ClinGen allele CA8874160.